The following is an entry in ClinVar:

NM_153006.3(NAGS):c.1313del (p.Gly438fs)

Gene: NAGS (N-acetylglutamate synthase; plus strand). Cytogenetic location: 17q21.31.
Variant type: Deletion.
Coding change: c.1313del on transcript NM_153006.3 (MANE Select); coding-DNA position 1313, one base deleted (G; older notation c.1313delG).
Protein change: p.Gly438fs; shifts the reading frame from glycine 438.
Molecular consequence: frameshift variant.
Genome position (GRCh38, 1-based): chr17:44,007,635, G deleted; the last of 6 consecutive G bases (chr17:44,007,630-44,007,635); deleting any one gives the same sequence. VCF-style (leftmost placement, unchanged base first): chr17-44007629-TG-T. GRCh37 (hg19) VCF-style: chr17-42084997-TG-T.
Other names: c.1313del (NM_153006.2); short protein forms G438fs.
Identifiers: ClinVar variation 801409 (VCV000801409.6), dbSNP rs1597866458, ClinGen allele CA626222550.
Genomic context (GRCh38, chr17:44,007,629, plus strand): 5'-TGCCGCTCTCCCGCTGCGCCAGGTACAACGCCGCCGCCATTCTGACCATGGAGCCCGTCC[TG>T]GGGGGCACCCCGTACCTGGACAAATTTGTGGTGAGCTCCAGCCGCCAGGGCCAAGGCTCC-3'

ClinVar aggregate classification (germline): Pathogenic. Review status: criteria provided, multiple submitters, no conflicts (2 of 4 stars). 4 submissions from 4 submitters: Pathogenic (4). Last evaluated 2024-06-20.

Conditions:
Hyperammonemia, type III (NAGSD). Also called: Hyperammonemia due to N-acetylglutamate synthase deficiency. Identifiers: Orphanet 927, MedGen C0268543, MONDO:0009377, OMIM 237310.

Submissions (4):

Natera, Inc.
Classification: Pathogenic for Hyperammonemia type III. Last evaluated: 2024-06-20. Review status: criteria provided, single submitter. Criteria: Natera Variant Classification Schema (03/2026). Collection method: clinical testing. Allele origin: germline.
Comment: The c.1313del variant in NAGS is a frameshift variant predicted to shift the reading frame beginning at codon 438 and leads to a stop codon 10 codons downstream. This variant is expected to result in nonsense mediated decay, truncation, or a dysfunctional protein product. This variant is rare in the general population with a frequency below the threshold expected for the associated phenotype(s). This variant has been observed in one or more individuals affected with the associated recessive disease, as either homozygous or compound heterozygous with a second variant (PMID: 27037498). Given the available evidence, this variant is classified as Pathogenic.

Labcorp Genetics (formerly Invitae), Labcorp
Classification: Pathogenic for Hyperammonemia, type III. Last evaluated: 2023-12-21. Review status: criteria provided, single submitter. Criteria: Invitae Variant Classification Sherloc (09022015). Collection method: clinical testing. Allele origin: germline.
Comment: This sequence change creates a premature translational stop signal (p.Gly438Alafs*10) in the NAGS gene. It is expected to result in an absent or disrupted protein product. Loss-of-function variants in NAGS are known to be pathogenic (PMID: 12594532). This variant is not present in population databases (gnomAD no frequency). This premature translational stop signal has been observed in individual(s) with N-acetylglutamate synthase deficiency (PMID: 27037498). ClinVar contains an entry for this variant (Variation ID: 801409). For these reasons, this variant has been classified as Pathogenic.

Baylor Genetics
Classification: Pathogenic for Hyperammonemia, type III. Last evaluated: 2023-11-08. Review status: criteria provided, single submitter. Criteria: ACMG Guidelines, 2015. Collection method: clinical testing. Allele origin: unknown.

Mendelics
Classification: Pathogenic. Last evaluated: 2019-05-28. Review status: criteria provided, single submitter. Criteria: Mendelics Assertion Criteria 2017. Collection method: clinical testing. Allele origin: unknown.

Literature cited by the submitters: PubMed 27037498 (cited by Natera, Inc. and Labcorp Genetics (formerly Invitae), Labcorp); PubMed 12594532 (cited by Labcorp Genetics (formerly Invitae), Labcorp).